The following is an entry in ClinVar:

ClinVar aggregate classification (germline): Uncertain significance (1 of 4 stars; one submission).

Conditions:
Hereditary cancer-predisposing syndrome. Also called: Neoplastic Syndromes, Hereditary; Hereditary Cancer Syndrome; Hereditary neoplastic syndrome; Tumor predisposition. Identifiers: Orphanet 140162, MedGen C0027672, MeSH D009386, MONDO:0015356.

Submission:

Ambry Genetics
Classification: Uncertain significance for Hereditary cancer-predisposing syndrome. Last evaluated: 2023-04-28. Review status: criteria provided, single submitter. Criteria: Ambry Variant Classification Scheme 2023. Collection method: clinical testing. Allele origin: germline.
Comment: The p.D1747Y variant (also known as c.5239G>T), located in coding exon 39 of the POLE gene, results from a G to T substitution at nucleotide position 5239. The aspartic acid at codon 1747 is replaced by tyrosine, an amino acid with highly dissimilar properties. This amino acid position is conserved. In addition, this alteration is predicted to be deleterious by in silico analysis. Since supporting evidence is limited at this time, the clinical significance of this alteration remains unclear.

NM_006231.4(POLE):c.5239G>T (p.Asp1747Tyr)

Gene: POLE (DNA polymerase epsilon, catalytic subunit; minus strand). Cytogenetic location: 12q24.33.
Variant type: single nucleotide variant.
Coding change: c.5239G>T on transcript NM_006231.4 (MANE Select); coding-DNA position 5239, G replaced by T.
Protein change: p.Asp1747Tyr; replaces aspartic acid 1747 with tyrosine.
Molecular consequence: missense variant.
Genome position (GRCh38, 1-based): chr12:132,641,786, C>A on the plus strand (G>T on the coding strand, the complement: POLE is on the minus strand). VCF-style: chr12-132641786-C-A. GRCh37 (hg19) VCF-style: chr12-133218372-C-A.
Other names: short protein forms D1747Y.
Identifiers: ClinVar variation 2562928 (VCV002562928.2), dbSNP rs753105796, ClinGen allele CA387376366.
Genomic context (GRCh38, chr12:132,641,786, plus strand): 5'-CCAGGGAGGCCTGCTGGATCACGTCGAAGCTGATCCCCATGCTGTCGGCCCCCTCCATGT[C>A]GTTGACATGGTGAGACTGGAGAATGGTGTTGACGGCCAGGTTCTGAAGGTCCAGCTCCAC-3'
Protein context (NP_006222.2, residues 1737-1757): NTILQSHHVN[Asp1747Tyr]MEGADSMGIS